The following continues an entry in ClinVar:

NM_000059.4(BRCA2):c.4471_4474del (p.Leu1491fs)

Gene: BRCA2. ClinVar aggregate classification (germline): Pathogenic. Pathogenic (1).

Submissions 11 to 15 of 15:

Sema4
Classification: Pathogenic for Hereditary cancer-predisposing syndrome. Last evaluated: 2022-01-02. Review status: criteria provided, single submitter. Criteria: Sema4 Curation Guidelines. Collection method: curation. Allele origin: germline. Not counted in ClinVar's aggregate classification.
Comment: The BRCA2 c.4471_4474del (p.L1491KfsX12) variant has been reported in heterozygosity in at least 4 individuals with breast cancer (PMID: 33471991, 24013928, 30350268). It is also known as 4699_4702del4 in the literature. This variant causes a frameshift at amino acid 1491 that results in premature termination 12 amino acids downstream. At this location, nonsense-mediated decay is predicted to occur, resulting in a loss of gene function. Loss of function variants in BRCA2 are known to be pathogenic (PMID: 29446198). This variant was observed in 1/16162 chromosomes in the African/African American population according to the Genome Aggregation Database (PMID: 32461654). This variant has been reported in ClinVar (Variation ID: 51652). Based on the current evidence available, this variant is interpreted as pathogenic.

Genetic Services Laboratory, University of Chicago
Classification: Pathogenic. Last evaluated: 2022-04-08. Review status: no assertion criteria provided. Collection method: clinical testing. Allele origin: germline. Affected: yes. Not counted in ClinVar's aggregate classification.
Comment: DNA sequence analysis of the BRCA2 gene demonstrated a four base pair deletion in exon 11, c.4471_4474del. This pathogenic sequence change results in an amino acid frameshift and creates a premature stop codon 12 amino acids downstream of the change, p.Leu1491Lysfs*12. This sequence change is predicted to result in an abnormal transcript, which may be degraded, or may lead to the production of a truncated BRCA2 protein with potentially abnormal function. This sequence change has been described in the gnomAD database in one individual which corresponds to a population frequency of 0.00040% (dbSNP rs1442953012). This sequence change has previously been described in individuals with breast cancer and colorectal cancer (PMID: 24013928, 30350268, 31875949, 32658311). Based on these collective evidences, this sequence change is classified as pathogenic.

Medical Genetics Laboratory, Umraniye Training and Research Hospital, University of Health Sciences
Classification: Pathogenic for Breast carcinoma. Last evaluated: 2021-08-08. Review status: no assertion criteria provided. Collection method: clinical testing. Allele origin: germline. Affected: yes. Observed: 1 variant allele, 1 heterozygote. Not counted in ClinVar's aggregate classification.
Comment: Invasive Ductal Carcinoma Estrogen Receptor: Negative Progesterone Receptor: Negative HER2 Receptor: Negative

Sharing Clinical Reports Project (SCRP)
Classification: Pathogenic for Breast-ovarian cancer, familial 2. Last evaluated: 2009-04-06. Review status: no assertion criteria provided. Collection method: clinical testing. Allele origin: germline. Not counted in ClinVar's aggregate classification.

Breast Cancer Information Core (BIC) (BRCA2)
Classification: Pathogenic for Breast-ovarian cancer, familial 2. Last evaluated: 2003-12-23. Review status: no assertion criteria provided. Collection method: clinical testing. Allele origin: germline. Affected: yes. Observed: 1 variant allele. Not counted in ClinVar's aggregate classification.

Literature cited by the submitters: PubMed 20104584 (cited by Labcorp Genetics (formerly Invitae), Labcorp); PubMed 24013928 (cited by 7 submitters); PubMed 30350268 (cited by 4 submitters); PubMed 32658311 (cited by 3 submitters); PubMed 35710434 (cited by Illumina Laboratory Services, Illumina); PubMed 34645131 (cited by Illumina Laboratory Services, Illumina and Color Diagnostics, LLC DBA Color Health); PubMed 33471991 (cited by 3 submitters); PubMed 30720243 (cited by Quest Diagnostics Nichols Institute San Juan Capistrano); PubMed 30787465 (cited by Quest Diagnostics Nichols Institute San Juan Capistrano); PubMed 31875949 (cited by Quest Diagnostics Nichols Institute San Juan Capistrano and Color Diagnostics, LLC DBA Color Health); PubMed 34657357 (cited by Color Diagnostics, LLC DBA Color Health); PubMed 35008403 (cited by Color Diagnostics, LLC DBA Color Health); PubMed 29446198 (cited by Sema4).